The following is an entry in ClinVar:

ClinVar aggregate classification (germline): Uncertain significance. Review status: criteria provided, multiple submitters, no conflicts (2 of 4 stars). 6 submissions from 6 submitters: Uncertain significance (6). Last evaluated 2025-06-05.

Conditions:
Progressive external ophthalmoplegia with mitochondrial DNA deletions, autosomal dominant 1 (PEOA1). Also called: Autosomal Dominant Progressive External Ophthalmoplegia (adPEO); PROGRESSIVE EXTERNAL OPHTHALMOPLEGIA, AUTOSOMAL DOMINANT 1. Identifiers: MedGen C1834846, MONDO:0024528, OMIM 157640.
Progressive sclerosing poliodystrophy (MTDPS4A). Also called: Mitochondrial DNA Depletion Syndrome 4A; ALPERS PROGRESSIVE INFANTILE POLIODYSTROPHY; Mitochondrial DNA depletion syndrome 4A (Alpers type); Alpers Syndrome; ALPERS DIFFUSE DEGENERATION OF CEREBRAL GRAY MATTER WITH HEPATIC CIRRHOSIS; NEURONAL DEGENERATION OF CHILDHOOD WITH LIVER DISEASE, PROGRESSIVE. Identifiers: Orphanet 726, MedGen C0205710, MONDO:0008758, OMIM 203700.

Allele frequency attached by ClinVar (database versions not stated): gnomAD 0.00001; gnomAD exomes 0.00002 and 0.00004; ExAC 0.00006; 1000 Genomes Project 0.00020; 1000 Genomes Project 30x 0.00031.
gnomAD v4.1: 32 of 1,613,848 alleles (0.002%); highest among the groups gnomAD compares: South Asian, 0.031%; no homozygotes.

Submissions (6):

Revvity Omics, Revvity
Classification: Uncertain significance. Last evaluated: 2025-06-05. Review status: criteria provided, single submitter. Criteria: ACMG Guidelines, 2015. Collection method: clinical testing. Allele origin: germline.

Labcorp Genetics (formerly Invitae), Labcorp
Classification: Uncertain significance for Progressive sclerosing poliodystrophy. Last evaluated: 2024-07-30. Review status: criteria provided, single submitter. Criteria: Invitae Variant Classification Sherloc (09022015). Collection method: clinical testing. Allele origin: germline.
Comment: This sequence change replaces tyrosine, which is neutral and polar, with histidine, which is basic and polar, at codon 837 of the POLG protein (p.Tyr837His). This variant is present in population databases (rs544828395, gnomAD 0.03%). This missense change has been observed in individual(s) with POLG-related disorders (PMID: 25488682). ClinVar contains an entry for this variant (Variation ID: 448103). Advanced modeling of protein sequence and biophysical properties (such as structural, functional, and spatial information, amino acid conservation, physicochemical variation, residue mobility, and thermodynamic stability) performed at Invitae indicates that this missense variant is expected to disrupt POLG protein function with a positive predictive value of 95%. In summary, the available evidence is currently insufficient to determine the role of this variant in disease. Therefore, it has been classified as a Variant of Uncertain Significance.

Blueprint Genetics
Classification: Uncertain significance. Last evaluated: 2024-06-24. Review status: criteria provided, single submitter. Criteria: ACMG Guidelines, 2015. Collection method: clinical testing. Allele origin: germline.

GeneDx
Classification: Uncertain significance. Last evaluated: 2019-07-11. Review status: criteria provided, single submitter. Criteria: GeneDx Variant Classification Process June 2021. Collection method: clinical testing. Allele origin: germline. Affected: yes.
Comment: Has not been previously published as pathogenic or benign to our knowledge; In silico analysis, which includes protein predictors and evolutionary conservation, supports a deleterious effect

Athena Diagnostics
Classification: Uncertain significance. Last evaluated: 2017-05-25. Review status: criteria provided, single submitter. Criteria: Athena Diagnostics Criteria. Collection method: clinical testing. Allele origin: germline.

Neuberg Centre For Genomic Medicine, NCGM
Classification: Uncertain significance for Progressive external ophthalmoplegia with mitochondrial DNA deletions, autosomal dominant 1. Review status: criteria provided, single submitter. Criteria: ACMG Guidelines, 2015. Collection method: clinical testing. Allele origin: germline. Inheritance: Autosomal dominant inheritance. Affected: yes.
Comment: The missense variant c.2509T>C (p.Tyr837His) in POLG gene has not been reported previously as a pathogenic variant nor as a benign variant, to our knowledge . This variant has been reported to the ClinVar database as Uncertain Significance. The p.Tyr837His variant is novel (not in any individuals) in 1000 Genomes and allele frequency of 0.003579% is reported in gnomAD. The amino acid Tyr at position 837 is changed to a His changing protein sequence and it might alter its composition and physico-chemical properties. The variant is predicted to be damaging by both SIFT and PolyPhen2. The residue is conserved across species. The amino acid change p.Tyr837His in POLG is predicted as conserved by GERP++ and PhyloP across 100 vertebrates. For these reasons, this variant has been classified as Uncertain Significance.

Literature cited by the submitters: PubMed 25488682 (cited by Labcorp Genetics (formerly Invitae), Labcorp).

NM_002693.3(POLG):c.2509T>C (p.Tyr837His)

Gene: POLG (DNA polymerase gamma, catalytic subunit; minus strand). Cytogenetic location: 15q26.1.
Variant type: single nucleotide variant.
Coding change: c.2509T>C on transcript NM_002693.3 (MANE Select); coding-DNA position 2509, T replaced by C.
Protein change: p.Tyr837His; replaces tyrosine 837 with histidine.
Molecular consequence: missense variant.
Genome position (GRCh38, 1-based): chr15:89,321,825, A>G on the plus strand (T>C on the coding strand, the complement: POLG is on the minus strand). VCF-style: chr15-89321825-A-G. GRCh37 (hg19) VCF-style: chr15-89865056-A-G.
Other names: c.2509T>C, p.Tyr837His (NM_001126131.2); short protein forms Y837H.
Identifiers: ClinVar variation 448103 (VCV000448103.13), dbSNP rs544828395, ClinGen allele CA7724435.